The following is an entry in ClinVar:

NM_016222.4(DDX41):c.1739G>A (p.Arg580His)

Gene: DDX41 (DEAD-box helicase 41; minus strand). Cytogenetic location: 5q35.3.
Variant type: single nucleotide variant.
Coding change: c.1739G>A on transcript NM_016222.4 (MANE Select); coding-DNA position 1739, G replaced by A.
Protein change: p.Arg580His; replaces arginine 580 with histidine.
Molecular consequence: missense variant.
Genome position (GRCh38, 1-based): chr5:177,511,921, C>T on the plus strand (G>A on the coding strand, the complement: DDX41 is on the minus strand). VCF-style: chr5-177511921-C-T. GRCh37 (hg19) VCF-style: chr5-176938922-C-T.
Other names: c.1361G>A, p.Arg454His (NM_001321732.2, NM_001321830.2); short protein forms R454H, R580H.
Identifiers: ClinVar variation 2442413 (VCV002442413.7), dbSNP rs778787490, ClinGen allele CA3584618.

ClinVar aggregate classification (germline): Uncertain significance. Review status: criteria provided, multiple submitters, no conflicts (2 of 4 stars). 3 submissions from 3 submitters: Uncertain significance (3). Last evaluated 2025-07-02.

Conditions:
Inborn genetic diseases. Identifiers: MedGen C0950123, MeSH D030342.

Allele frequency attached by ClinVar (database versions not stated): gnomAD exomes 0.00001; TOPMed 0.00001; ExAC 0.00002; gnomAD 0.00001.

Submissions (3):

Labcorp Genetics (formerly Invitae), Labcorp
Classification: Uncertain significance. Last evaluated: 2025-07-02. Review status: criteria provided, single submitter. Criteria: Invitae Variant Classification Sherloc (09022015). Collection method: clinical testing. Allele origin: germline.
Comment: This sequence change replaces arginine, which is basic and polar, with histidine, which is basic and polar, at codon 580 of the DDX41 protein (p.Arg580His). This variant is present in population databases (rs778787490, gnomAD 0.003%). This variant has not been reported in the literature in individuals affected with DDX41-related conditions. ClinVar contains an entry for this variant (Variation ID: 2442413). An algorithm developed to predict the effect of missense changes on protein structure and function (PolyPhen-2) suggests that this variant is likely to be disruptive. In summary, the available evidence is currently insufficient to determine the role of this variant in disease. Therefore, it has been classified as a Variant of Uncertain Significance.

Ambry Genetics
Classification: Uncertain significance for Inborn genetic diseases. Last evaluated: 2025-04-14. Review status: criteria provided, single submitter. Criteria: Ambry Variant Classification Scheme 2023. Collection method: clinical testing. Allele origin: germline.
Comment: The p.R580H variant (also known as c.1739G>A), located in coding exon 17 of the DDX41 gene, results from a G to A substitution at nucleotide position 1739. The arginine at codon 580 is replaced by histidine, an amino acid with highly similar properties. This amino acid position is highly conserved in available vertebrate species. In addition, the in silico prediction for this alteration is inconclusive. Based on the available evidence, the clinical significance of this variant remains unclear.

GeneDx
Classification: Uncertain significance. Last evaluated: 2023-08-09. Review status: criteria provided, single submitter. Criteria: GeneDx Variant Classification Process June 2021. Collection method: clinical testing. Allele origin: germline. Affected: yes.
Comment: Not observed at significant frequency in large population cohorts (gnomAD); In silico analysis supports that this missense variant does not alter protein structure/function; Has not been previously published as pathogenic or benign to our knowledge; This variant is associated with the following publications: (PMID: 27721487)